The following is an entry in ClinVar:

ClinVar aggregate classification (germline): Uncertain significance. Review status: criteria provided, multiple submitters, no conflicts (2 of 4 stars). 2 submissions from 2 submitters: Uncertain significance (2). Last evaluated 2025-06-10.

Submissions (2):

Ambry Genetics
Classification: Uncertain significance. Last evaluated: 2025-06-10. Review status: criteria provided, single submitter. Criteria: Ambry Variant Classification Scheme 2023. Collection method: clinical testing. Allele origin: germline.

GeneDx
Classification: Uncertain significance. Last evaluated: 2024-02-23. Review status: criteria provided, single submitter. Criteria: GeneDx Variant Classification Process June 2021. Collection method: clinical testing. Allele origin: germline. Affected: yes.
Comment: Not observed at significant frequency in large population cohorts (gnomAD); In silico analysis supports that this missense variant has a deleterious effect on protein structure/function; Has not been previously published as pathogenic or benign to our knowledge

NM_001379150.1(IRS4):c.692A>G (p.Tyr231Cys)

Gene: IRS4 (insulin receptor substrate 4; minus strand). Cytogenetic location: Xq22.3.
Variant type: single nucleotide variant.
Coding change: c.692A>G on transcript NM_001379150.1 (MANE Select); coding-DNA position 692, A replaced by G.
Protein change: p.Tyr231Cys; replaces tyrosine 231 with cysteine.
Molecular consequence: missense variant.
Genome position (GRCh38, 1-based): chrX:108,735,653, T>C on the plus strand (A>G on the coding strand, the complement: IRS4 is on the minus strand). VCF-style: chrX-108735653-T-C. GRCh37 (hg19) VCF-style: chrX-107978883-T-C.
Other names: c.692A>G, p.Tyr231Cys (NM_003604.2); short protein forms Y231C.
Identifiers: ClinVar variation 3369499 (VCV003369499.2).